The following is an entry in ClinVar:

NM_014915.3(ANKRD26):c.4715A>C (p.Lys1572Thr)

Gene: ANKRD26 (ankyrin repeat domain 26; minus strand). Cytogenetic location: 10p12.1.
Variant type: single nucleotide variant.
Coding change: c.4715A>C on transcript NM_014915.3 (MANE Select); coding-DNA position 4715, A replaced by C.
Protein change: p.Lys1572Thr; replaces lysine 1572 with threonine.
Molecular consequence: missense variant.
Genome position (GRCh38, 1-based): chr10:27,014,503, T>G on the plus strand (A>C on the coding strand, the complement: ANKRD26 is on the minus strand). VCF-style: chr10-27014503-T-G. GRCh37 (hg19) VCF-style: chr10-27303432-T-G.
Other names: c.4712A>C, p.Lys1571Thr (NM_001256053.2); short protein forms K1572T, K1571T.
Identifiers: ClinVar variation 4579026 (VCV004579026.1).
Genomic context (GRCh38, chr10:27,014,503, plus strand): 5'-GGCAAATTAATGAGCTTAATTTATTTCCTATGATTCTATATTTTGACTTACTTGGTTAGT[T>G]TACTTGACAAAGATTTTCTAACTTTTAATTCTTCTAGATAGAGTTGCTTATATTTTTCCA-3'
Protein context (NP_055730.2, residues 1562-1582): ELKVRKSLSS[Lys1572Thr]LTKTNERLAE

ClinVar aggregate classification (germline): Uncertain significance (1 of 4 stars; one submission).

Conditions:
Inborn genetic diseases. Identifiers: MedGen C0950123, MeSH D030342.

gnomAD v4.1: 2 of 1,571,362 alleles (0.00013%); highest among the groups gnomAD compares: Non-Finnish European, 0.00017%; no homozygotes.

Submission:

Ambry Genetics
Classification: Uncertain significance for Inborn genetic diseases. Last evaluated: 2025-09-29. Review status: criteria provided, single submitter. Criteria: Ambry Variant Classification Scheme 2023. Collection method: clinical testing. Allele origin: germline.
Comment: The p.K1572T variant (also known as c.4715A>C), located in coding exon 31 of the ANKRD26 gene, results from an A to C substitution at nucleotide position 4715. The lysine at codon 1572 is replaced by threonine, an amino acid with similar properties. This amino acid position is conserved. In addition, this alteration is predicted to be tolerated by in silico analysis. Based on the available evidence, the clinical significance of this variant remains unclear.